The following is an entry in ClinVar:

NM_198488.5(FAM83H):c.1267T>C (p.Phe423Leu)

Gene: FAM83H (family with sequence similarity 83 member H; minus strand). Cytogenetic location: 8q24.3.
Variant type: single nucleotide variant.
Coding change: c.1267T>C on transcript NM_198488.5 (MANE Select); coding-DNA position 1267, T replaced by C.
Protein change: p.Phe423Leu; replaces phenylalanine 423 with leucine.
Molecular consequence: missense variant.
Genome position (GRCh38, 1-based): chr8:143,728,194, A>G on the plus strand (T>C on the coding strand, the complement: FAM83H is on the minus strand). VCF-style: chr8-143728194-A-G. GRCh37 (hg19) VCF-style: chr8-144810364-A-G.
Other names: short protein forms F423L.
Identifiers: ClinVar variation 1309797 (VCV001309797.2), dbSNP rs782081943, ClinGen allele CA4917493.

ClinVar aggregate classification (germline): Uncertain significance (1 of 4 stars; one submission).

Allele frequency attached by ClinVar (database versions not stated): gnomAD 0.00001; gnomAD exomes 0.00001; ExAC 0.00002.
gnomAD v4.1: 10 of 1,604,018 alleles (0.00062%); highest among the groups gnomAD compares: Admixed American, 0.0034%; no homozygotes.

Submission:

GeneDx
Classification: Uncertain significance. Last evaluated: 2019-11-13. Review status: criteria provided, single submitter. Criteria: GeneDx Variant Classification Process June 2021. Collection method: clinical testing. Allele origin: germline. Affected: yes.
Comment: Has not been previously published as pathogenic or benign to our knowledge; Not observed at a significant frequency in large population cohorts (Lek et al., 2016); In silico analysis, which includes protein predictors and evolutionary conservation, supports that this variant does not alter protein structure/function